The following is an entry in ClinVar:

NM_003801.4(GPAA1):c.958C>T (p.Arg320Cys)

Gene: GPAA1 (glycosylphosphatidylinositol anchor attachment 1; plus strand). Cytogenetic location: 8q24.3.
Variant type: single nucleotide variant.
Coding change: c.958C>T on transcript NM_003801.4 (MANE Select); coding-DNA position 958, C replaced by T.
Protein change: p.Arg320Cys; replaces arginine 320 with cysteine.
Molecular consequence: missense variant.
Genome position (GRCh38, 1-based): chr8:144,084,557, C>T. VCF-style: chr8-144084557-C-T. GRCh37 (hg19) VCF-style: chr8-145139460-C-T.
Other names: short protein forms R320C.
Identifiers: ClinVar variation 1352855 (VCV001352855.6), dbSNP rs369617537, ClinGen allele CA4932981.

ClinVar aggregate classification (germline): Uncertain significance (1 of 4 stars; one submission).

Allele frequency attached by ClinVar (database versions not stated): gnomAD 0.00001; TOPMed 0.00001; gnomAD exomes 0.00002.

Submission:

Labcorp Genetics (formerly Invitae), Labcorp
Classification: Uncertain significance. Last evaluated: 2025-12-08. Review status: criteria provided, single submitter. Criteria: Invitae Variant Classification Sherloc (09022015). Collection method: clinical testing. Allele origin: germline.
Comment: This sequence change replaces arginine, which is basic and polar, with cysteine, which is neutral and slightly polar, at codon 320 of the GPAA1 protein (p.Arg320Cys). This variant is present in population databases (rs369617537, gnomAD 0.002%). This variant has not been reported in the literature in individuals affected with GPAA1-related conditions. ClinVar contains an entry for this variant (Variation ID: 1352855). Invitae Evidence Modeling of protein sequence and biophysical properties (such as structural, functional, and spatial information, amino acid conservation, physicochemical variation, residue mobility, and thermodynamic stability) indicates that this missense variant is expected to disrupt GPAA1 protein function with a positive predictive value of 80%. In summary, the available evidence is currently insufficient to determine the role of this variant in disease. Therefore, it has been classified as a Variant of Uncertain Significance.